The following is an entry in ClinVar:

NM_201384.3(PLEC):c.5583G>A (p.Ala1861=)

Gene: PLEC (plectin; minus strand). Cytogenetic location: 8q24.3.
Variant type: single nucleotide variant.
Coding change: c.5583G>A on transcript NM_201384.3 (MANE Select); coding-DNA position 5583, G replaced by A.
Protein change: p.Ala1861=; no amino-acid change (alanine 1861 retained).
Molecular consequence: synonymous variant.
Genome position (GRCh38, 1-based): chr8:143,924,346, C>T on the plus strand (G>A on the coding strand, the complement: PLEC is on the minus strand). VCF-style: chr8-143924346-C-T. GRCh37 (hg19) VCF-style: chr8-144998514-C-T.
Other names: p.Ala1847=; c.5664G>A, p.Ala1888= (NM_000445.5); c.5541G>A, p.Ala1847= (NM_201378.4); c.5517G>A, p.Ala1839= (NM_201379.3); c.5994G>A, p.Ala1998= (NM_201380.4); c.5487G>A, p.Ala1829= (NM_201381.3); c.5583G>A, p.Ala1861= (NM_201382.4); c.5595G>A, p.Ala1865= (NM_201383.3).
Identifiers: ClinVar variation 93064 (VCV000093064.25), dbSNP rs75586449, ClinGen allele CA146446.
Genomic context (GRCh38, chr8:143,924,346, plus strand): 5'-CTCCAGCCGCCGCCGCTGGAAGGCCTCGTCCTCCGCCAGCCGCCGCAGGCGCTCGTTCTC[C>T]GCCTCCTTCTCCTTGAGCGCGATCTCCGCCTCCGTCTTGAGCCGCGTGGCCTCGCCGATG-3'
Protein context (NP_958786.1, residues 1851-1871): EAEIALKEKE[Ala1861=]ENERLRRLAE

ClinVar aggregate classification (germline): Benign. Review status: criteria provided, multiple submitters, no conflicts (2 of 4 stars). 7 submissions from 7 submitters: Benign (6). 1 of the submissions does not count toward it. Last evaluated 2026-02-03.

Conditions:
Epidermolysis bullosa simplex, Ogna type (EBS5A). Also called: Pidermolysis bullosa simplex 5A, Ogna type; EPIDERMOLYSIS BULLOSA SIMPLEX 5A, OGNA TYPE. Identifiers: Orphanet 79401, MedGen C0432317, MONDO:0007555, OMIM 131950.
Autosomal recessive limb-girdle muscular dystrophy type 2Q (LGMDR17). Also called: MUSCULAR DYSTROPHY, LIMB-GIRDLE, AUTOSOMAL RECESSIVE 17. Identifiers: Orphanet 254361, MedGen C3150989, MONDO:0013390, OMIM 613723.
Epidermolysis bullosa simplex 5C, with pyloric atresia (EBS5C). Also called: PLEC-Related Epidermolysis Bullosa with Pyloric Atresia; Epidermolysis bullosa simplex with pyloric atresia; PLEC1-Related Epidermolysis Bullosa with Pyloric Atresia. Identifiers: Orphanet 158684, MedGen C2677349, MONDO:0012807, OMIM 612138.
Epidermolysis bullosa simplex with nail dystrophy (EBS5D). Identifiers: MedGen C4225309, MONDO:0014661, OMIM 616487.
Epidermolysis bullosa simplex 5B, with muscular dystrophy (EBS5B). Also called: EPIDERMOLYSIS BULLOSA SIMPLEX AND LIMB-GIRDLE MUSCULAR DYSTROPHY; Epidermolysis bullosa simplex with muscular dystrophy. Identifiers: Orphanet 257, MedGen C2931072, MONDO:0009181, OMIM 226670.

Allele frequency attached by ClinVar (database versions not stated): ESP Exome Variant Server 0.02767; gnomAD 0.03960 and 0.04365; TOPMed 0.04682; gnomAD exomes 0.04745 and 0.06749; ExAC 0.06923; 1000 Genomes Project 0.06969; 1000 Genomes Project 30x 0.07058.

Submissions (7):

Labcorp Genetics (formerly Invitae), Labcorp
Classification: Benign for Autosomal recessive limb-girdle muscular dystrophy type 2Q; Epidermolysis bullosa simplex, Ogna type; Epidermolysis bullosa simplex with nail dystrophy; Epidermolysis bullosa simplex 5C, with pyloric atresia; Epidermolysis bullosa simplex 5B, with muscular dystrophy. Last evaluated: 2026-02-03. Review status: criteria provided, single submitter. Criteria: Invitae Variant Classification Sherloc (09022015). Collection method: clinical testing. Allele origin: germline.

Mayo Clinic Laboratories, Mayo Clinic
Classification: Benign. Last evaluated: 2017-10-11. Review status: criteria provided, single submitter. Criteria: ACMG Guidelines, 2015. Collection method: clinical testing. Allele origin: germline. Observed: 138 variant alleles.

GeneDx
Classification: Benign. Last evaluated: 2015-03-03. Review status: criteria provided, single submitter. Criteria: GeneDx Variant Classification Process June 2021. Collection method: clinical testing. Allele origin: germline. Affected: yes.

Laboratory for Molecular Medicine, Mass General Brigham Personalized Medicine
Classification: Benign. Last evaluated: 2015-01-13. Review status: criteria provided, single submitter. Criteria: LMM Criteria. Collection method: clinical testing. Allele origin: germline. Observed: 2 variant alleles.
Comment: p.Ala1998Ala in exon 31 of PLEC: This variant is not expected to have clinical s ignificance because it does not alter an amino acid residue and is not located w ithin the splice consensus sequence. It has been identified in 3.6% (272/7616) o f European American chromosomes from a broad population by the NHLBI Exome Seque ncing Project (dbSNP rs75586449).

Eurofins Ntd Llc (ga)
Classification: Benign. Last evaluated: 2013-04-22. Review status: criteria provided, single submitter. Criteria: EGL Classification Definitions 2015. Collection method: clinical testing. Allele origin: germline. Observed: 7 variant alleles, 6 heterozygotes, 1 homozygote.

Breakthrough Genomics
Classification: Benign. Review status: criteria provided, single submitter. Criteria: ACMG Guidelines, 2015. Collection method: not provided. Allele origin: germline. Inheritance: Autosomal recessive inheritance. Affected: yes.

Genetic Services Laboratory, University of Chicago
Classification: Likely benign for AllHighlyPenetrant. Review status: no assertion criteria provided. Collection method: clinical testing. Allele origin: germline. Inheritance: Autosomal recessive inheritance. Not counted in ClinVar's aggregate classification.
Comment: Likely benign based on allele frequency in 1000 Genomes Project or ESP global frequency and its presence in a patient with a rare or unrelated disease phenotype. NOT Sanger confirmed.